The following is an entry in ClinVar:

NM_006767.4(LZTR1):c.1889G>T (p.Arg630Leu)

Gene: LZTR1 (leucine zipper like post translational regulator 1; plus strand). Cytogenetic location: 22q11.21.
Variant type: single nucleotide variant.
Coding change: c.1889G>T on transcript NM_006767.4 (MANE Select); coding-DNA position 1889, G replaced by T.
Protein change: p.Arg630Leu; replaces arginine 630 with leucine.
Molecular consequence: missense variant.
Genome position (GRCh38, 1-based): chr22:20,994,973, G>T. VCF-style: chr22-20994973-G-T. GRCh37 (hg19) VCF-style: chr22-21349262-G-T.
Other names: short protein forms R630L.
Identifiers: ClinVar variation 3238158 (VCV003238158.1), dbSNP rs781776791.

ClinVar aggregate classification (germline): Uncertain significance (1 of 4 stars; one submission).

Conditions:
Hereditary cancer-predisposing syndrome. Also called: Neoplastic Syndromes, Hereditary; Tumor predisposition; Hereditary neoplastic syndrome; Hereditary Cancer Syndrome. Identifiers: Orphanet 140162, MedGen C0027672, MeSH D009386, MONDO:0015356.
Cardiovascular phenotype. Identifiers: MedGen CN230736.

Submission:

Ambry Genetics
Classification: Uncertain significance for Cardiovascular phenotype; Hereditary cancer-predisposing syndrome. Last evaluated: 2023-05-21. Review status: criteria provided, single submitter. Criteria: Ambry Variant Classification Scheme 2023. Collection method: clinical testing. Allele origin: germline.
Comment: The p.R630L variant (also known as c.1889G>T), located in coding exon 16 of the LZTR1 gene, results from a G to T substitution at nucleotide position 1889. The arginine at codon 630 is replaced by leucine, an amino acid with dissimilar properties. This amino acid position is conserved. In addition, this alteration is predicted to be deleterious by in silico analysis. Since supporting evidence is limited at this time, the clinical significance of this alteration remains unclear.